The following is an entry in ClinVar:

NM_000261.2(MYOC):c.1227G>C (p.Glu409Asp)

Gene: MYOC (myocilin; minus strand). Cytogenetic location: 1q24.3.
Variant type: single nucleotide variant.
Coding change: c.1227G>C on transcript NM_000261.2 (MANE Select); coding-DNA position 1227, G replaced by C.
Protein change: p.Glu409Asp; replaces glutamic acid 409 with aspartic acid.
Molecular consequence: missense variant.
Genome position (GRCh38, 1-based): chr1:171,636,213, C>G on the plus strand (G>C on the coding strand, the complement: MYOC is on the minus strand). VCF-style: chr1-171636213-C-G. GRCh37 (hg19) VCF-style: chr1-171605353-C-G.
Other names: NM_000261.2:c.1227G>C; short protein forms E409D.
Identifiers: ClinVar variation 4795849 (VCV004795849.1).

ClinVar aggregate classification (germline): Uncertain significance (3 of 4 stars; one submission).

Conditions:
Open-angle glaucoma. Identifiers: MedGen C0017612, MONDO:0005338, HP:0012108.

Submission:

ClinGen Glaucoma Variant Curation Expert Panel
Classification: Uncertain significance for Open-angle glaucoma. Last evaluated: 2026-02-18. Review status: reviewed by expert panel. Criteria: ClinGen Glaucoma ACMG Specifications V2.0.0 Approved. Collection method: curation. Allele origin: germline. Inheritance: Autosomal dominant inheritance.
Comment: The c.1227G>C variant in MYOC is a missense variant predicted to cause substitution of Glutamic acid by Aspartic acid at amino acid 409 (p.Glu409Asp). This variant was not found in any genetic ancestry group of gnomAD (v4.1.0), meeting the ≤ 0.0001 threshold set for PM2_Supporting in a genetic ancestry group of at least 10,000 alleles. The REVEL score = 0.136, which was within the 0.017-0.183 range for BP4_Moderate, suggesting that the variant does not impact MYOC function. There was no functional evidence predicting a damaging or benign impact of this variant on MYOC function. This variant has not yet been identified in a proband with juvenile or primary open angle glaucoma, only in a proband with primary angle closure glaucoma, thus PS4 did not apply. In summary, this variant met the criteria to receive a score of -1 and to be classified as a variant of uncertain significance (uncertain significance classification range -1 to 5, adapted from PMID: 32720330) for primary open angle glaucoma based on the ACMG/AMP criteria met, as specified by the ClinGen Glaucoma VCEP (v2.0.0, 5 Dec 2024): BP4_Moderate, PM2_Supporting.